The following is an entry in ClinVar:

ClinVar aggregate classification (germline): Uncertain significance (1 of 4 stars; one submission).

gnomAD v4.1: 15 of 1,595,728 alleles (0.00094%); highest among the groups gnomAD compares: Non-Finnish European, 0.0013%; no homozygotes.

Submission:

Labcorp Genetics (formerly Invitae), Labcorp
Classification: Uncertain significance. Last evaluated: 2021-08-17. Review status: criteria provided, single submitter. Criteria: Invitae Variant Classification Sherloc (09022015). Collection method: clinical testing. Allele origin: germline.
Comment: This sequence change replaces cysteine with tyrosine at codon 180 of the BCL11B protein (p.Cys180Tyr). The cysteine residue is moderately conserved and there is a large physicochemical difference between cysteine and tyrosine. This variant is not present in population databases (ExAC no frequency). This variant has not been reported in the literature in individuals affected with BCL11B-related conditions. Algorithms developed to predict the effect of missense changes on protein structure and function are either unavailable or do not agree on the potential impact of this missense change (SIFT: "Deleterious"; PolyPhen-2: "Benign"; Align-GVGD: "Class C0"). In summary, the available evidence is currently insufficient to determine the role of this variant in disease. Therefore, it has been classified as a Variant of Uncertain Significance.

NM_138576.4(BCL11B):c.539G>A (p.Cys180Tyr)

Gene: BCL11B (BCL11 transcription factor B; minus strand). Cytogenetic location: 14q32.2.
Variant type: single nucleotide variant.
Coding change: c.539G>A on transcript NM_138576.4 (MANE Select); coding-DNA position 539, G replaced by A.
Protein change: p.Cys180Tyr; replaces cysteine 180 with tyrosine.
Molecular consequence: missense variant. On other transcripts: intron variant (2).
Genome position (GRCh38, 1-based): chr14:99,231,446, C>T on the plus strand (G>A on the coding strand, the complement: BCL11B is on the minus strand). VCF-style: chr14-99231446-C-T. GRCh37 (hg19) VCF-style: chr14-99697783-C-T.
Other names: c.424+26025G>A (NM_001282238.2); c.427+26025G>A (NM_022898.3); c.536G>A, p.Cys179Tyr (NM_001282237.2); short protein forms C179Y, C180Y.
Identifiers: ClinVar variation 1432949 (VCV001432949.6), dbSNP rs2139891480, ClinGen allele CA390937323.
Genomic context (GRCh38, chr14:99,231,446, plus strand): 5'-CCCTCACCCTGAGTCCCGTCACCCGAGACCGGGCGCGCGCTGCAGCACGGCAGGGGGAGG[C>T]AGGGCGGGAGAGCGCCCAGGGCACGCAGAGGTGAAGTGATCACGGATGAGTGAGGGTGGG-3'
Protein context (NP_612808.1, residues 170-190): PLRALGALPP[Cys180Tyr]LPLPCCSARP